The following is an entry in ClinVar:

ClinVar aggregate classification (germline): Pathogenic/Likely pathogenic. Review status: criteria provided, multiple submitters, no conflicts (2 of 4 stars). 6 submissions from 6 submitters: Pathogenic (4); Likely pathogenic (1). 1 of the submissions does not count toward it. Last evaluated 2025-12-10.

Conditions:
SPTA1-related disorder. Also called: SPTA1-related disorders; SPTA1-related condition.
Elliptocytosis 2 (EL2). Also called: ELLIPTOCYTOSIS, RHESUS-UNLINKED TYPE. Identifiers: Orphanet 288, MedGen C1851741, MONDO:0007533, OMIM 130600.

Allele frequency attached by ClinVar (database versions not stated): TOPMed 0.00002.
gnomAD v4.1: 7 of 1,613,774 alleles (0.00043%); highest among the groups gnomAD compares: African/African-American, 0.0093%; no homozygotes.

Submissions (6):

Labcorp Genetics (formerly Invitae), Labcorp
Classification: Likely pathogenic. Last evaluated: 2025-12-10. Review status: criteria provided, single submitter. Criteria: Invitae Variant Classification Sherloc (09022015). Collection method: clinical testing. Allele origin: germline.
Comment: This sequence change replaces arginine, which is basic and polar, with leucine, which is neutral and non-polar, at codon 28 of the SPTA1 protein (p.Arg28Leu). This variant is present in population databases (rs121918641, gnomAD 0.008%). This missense change has been observed in individual(s) with elliptocytosis and hereditary pyropoikilocytosis (PMID: 1679439, 3940543). It has also been observed to segregate with disease in related individuals. ClinVar contains an entry for this variant (Variation ID: 12853). Invitae Evidence Modeling of protein sequence and biophysical properties (such as structural, functional, and spatial information, amino acid conservation, physicochemical variation, residue mobility, and thermodynamic stability) indicates that this missense variant is expected to disrupt SPTA1 protein function with a positive predictive value of 80%. Experimental studies have shown that this missense change affects SPTA1 function (PMID: 18218854). This variant disrupts the p.Arg28 amino acid residue in SPTA1. Other variant(s) that disrupt this residue have been determined to be pathogenic (PMID: 18218854, 29729090, 30317022). This suggests that this residue is clinically significant, and that variants that disrupt this residue are likely to be disease-causing. In summary, the currently available evidence indicates that the variant is pathogenic, but additional data are needed to prove that conclusively. Therefore, this variant has been classified as Likely Pathogenic.

ARUP Laboratories, Molecular Genetics and Genomics, ARUP Laboratories
Classification: Pathogenic. Last evaluated: 2025-01-13. Review status: criteria provided, single submitter. Criteria: ARUP Molecular Germline Variant Investigation Process 2024. Collection method: clinical testing. Allele origin: germline.
Comment: The SPTA1 c.83G>T; p.Arg28Leu variant (rs121918641; ClinVar Variation ID: 12853) is reported in the literature to co-segregate with hereditary elliptocytosis or pyropoikilocytosis (Coetzer 1991, Floyd 1991). This variant is only observed on two alleles in the Genome Aggregation Database (v2.1.1), indicating it is not a common polymorphism. Functional analyses with mutated protein demonstrate loss of spectrin tetramerization (Gaetani 2008). Additionally, other amino acid substitutions at this codon (Cys, Ser and His) have been reported in individuals with hereditary elliptocytosis and pyropoikilocytosis and are considered pathogenic (Coetzer 1991, Floyd 1991, Garbarz 1990). Computational analyses are uncertain whether this variant is neutral or deleterious (REVEL: 0.44). Based on available information, this variant is considered to be pathogenic. References: Coetzer TL et al. Four different mutations in codon 28 of alpha spectrin are associated with structurally and functionally abnormal spectrin alpha I/74 in hereditary elliptocytosis. J Clin Invest. 1991 Sep. PMID: 1679439. Floyd PB et al. Heterogeneity of the molecular basis of hereditary pyropoikilocytosis and hereditary elliptocytosis associated with increased levels of the spectrin alpha I/74-kilodalton tryptic peptide. Blood. 1991 Sep 01. PMID: 1878597. Gaetani M et al. Structural and functional effects of hereditary hemolytic anemia-associated point mutations in the alpha spectrin tetramer site. Blood. 2008 Jun 15. PMID: 18218854. Garbarz M et al. Hereditary pyropoikilocytosis and elliptocytosis in a white French family with the spectrin alpha I/74 variant related to a CGT to CAT codon change (Arg to His) at position 22 of the spectrin alpha I domain. Blood. 1990 Apr 15. PMID: 2328319.

Mayo Clinic Laboratories, Mayo Clinic
Classification: Pathogenic. Last evaluated: 2024-10-09. Review status: criteria provided, single submitter. Criteria: ACMG Guidelines, 2015. Collection method: clinical testing. Allele origin: germline. Observed: 11 variant alleles.
Comment: PM1, PM2_supporting, PS1, PS3

Revvity Omics, Revvity
Classification: Pathogenic. Last evaluated: 2023-09-06. Review status: criteria provided, single submitter. Criteria: ACMG Guidelines, 2015. Collection method: clinical testing. Allele origin: germline.

Blueprint Genetics
Classification: Pathogenic for SPTA1-related disorders. Last evaluated: 2020-05-27. Review status: criteria provided, single submitter. Criteria: ACMG Guidelines, 2015. Collection method: clinical testing. Allele origin: germline. Affected: yes. Observed: 1 variant allele.

OMIM
Classification: Pathogenic for ELLIPTOCYTOSIS 2. Last evaluated: 1982-05-01. Review status: no assertion criteria provided. Collection method: literature only. Allele origin: germline. Not counted in ClinVar's aggregate classification.

Literature cited by the submitters: PubMed 1679439 (cited by Labcorp Genetics (formerly Invitae), Labcorp and Mayo Clinic Laboratories, Mayo Clinic); PubMed 3940543 (cited by Labcorp Genetics (formerly Invitae), Labcorp); PubMed 18218854 (cited by Labcorp Genetics (formerly Invitae), Labcorp and Mayo Clinic Laboratories, Mayo Clinic); PubMed 29729090 (cited by Labcorp Genetics (formerly Invitae), Labcorp); PubMed 30317022 (cited by Labcorp Genetics (formerly Invitae), Labcorp); PubMed 1878597 (cited by Mayo Clinic Laboratories, Mayo Clinic); PubMed 36071563 (cited by Mayo Clinic Laboratories, Mayo Clinic); PubMed 7074218 (cited by OMIM).

NM_003126.4(SPTA1):c.83G>T (p.Arg28Leu)

Gene: SPTA1 (spectrin alpha, erythrocytic 1; minus strand). Cytogenetic location: 1q23.1.
Variant type: single nucleotide variant.
Coding change: c.83G>T on transcript NM_003126.4 (MANE Select); coding-DNA position 83, G replaced by T.
Protein change: p.Arg28Leu; replaces arginine 28 with leucine.
Molecular consequence: missense variant.
Genome position (GRCh38, 1-based): chr1:158,685,289, C>A on the plus strand (G>T on the coding strand, the complement: SPTA1 is on the minus strand). VCF-style: chr1-158685289-C-A. GRCh37 (hg19) VCF-style: chr1-158655079-C-A.
Other names: short protein forms R28L.
Identifiers: ClinVar variation 12853 (VCV000012853.26), dbSNP rs121918641, ClinGen allele CA122756.